The following is an entry in ClinVar:

ClinVar aggregate classification (germline): Uncertain significance (1 of 4 stars; one submission).

Conditions:
Inborn genetic diseases. Identifiers: MedGen C0950123, MeSH D030342.

gnomAD v4.1: 90 of 1,612,586 alleles (0.0056%); highest among the groups gnomAD compares: Non-Finnish European, 0.0071%; no homozygotes.

Submission:

Ambry Genetics
Classification: Uncertain significance for Inborn genetic diseases. Last evaluated: 2025-03-23. Review status: criteria provided, single submitter. Criteria: Ambry Variant Classification Scheme 2023. Collection method: clinical testing. Allele origin: germline.
Comment: The p.S562N variant (also known as c.1685G>A), located in coding exon 13 of the MCOLN1 gene, results from a G to A substitution at nucleotide position 1685. The serine at codon 562 is replaced by asparagine, an amino acid with highly similar properties. This amino acid position is conserved. In addition, this alteration is predicted to be tolerated by in silico analysis. Based on the available evidence, the clinical significance of this variant remains unclear.

NM_020533.3(MCOLN1):c.1685G>A (p.Ser562Asn)

Gene: MCOLN1 (mucolipin TRP cation channel 1; plus strand). Cytogenetic location: 19p13.2.
Variant type: single nucleotide variant.
Coding change: c.1685G>A on transcript NM_020533.3 (MANE Select); coding-DNA position 1685, G replaced by A.
Protein change: p.Ser562Asn; replaces serine 562 with asparagine.
Molecular consequence: missense variant.
Genome position (GRCh38, 1-based): chr19:7,533,632, G>A. VCF-style: chr19-7533632-G-A. GRCh37 (hg19) VCF-style: chr19-7598518-G-A.
Other names: short protein forms S562N.
Identifiers: ClinVar variation 4052746 (VCV004052746.1).